The following is an entry in ClinVar:

ClinVar aggregate classification (germline): Uncertain significance (1 of 4 stars; one submission).

Conditions:
Cardiovascular phenotype. Identifiers: MedGen CN230736.

Submission:

Ambry Genetics
Classification: Uncertain significance for Cardiovascular phenotype. Last evaluated: 2026-07-28. Review status: criteria provided, single submitter. Criteria: Ambry Variant Classification Scheme 2023. Collection method: clinical testing. Allele origin: germline.
Comment: The p.K84R variant (also known as c.251A>G), located in coding exon 1 of the KCNE3 gene, results from an A to G substitution at nucleotide position 251. The lysine at codon 84 is replaced by arginine, an amino acid with highly similar properties. This amino acid position is conserved. In addition, the in silico prediction for this alteration is inconclusive. Based on the available evidence, the clinical significance of this variant remains unclear.

NM_005472.5(KCNE3):c.251A>G (p.Lys84Arg)

Gene: KCNE3 (potassium voltage-gated channel subfamily E regulatory subunit 3; minus strand). Cytogenetic location: 11q13.4.
Variant type: single nucleotide variant.
Coding change: c.251A>G on transcript NM_005472.5 (MANE Select); coding-DNA position 251, A replaced by G.
Protein change: p.Lys84Arg; replaces lysine 84 with arginine.
Molecular consequence: missense variant.
Genome position (GRCh38, 1-based): chr11:74,457,313, T>C on the plus strand (A>G on the coding strand, the complement: KCNE3 is on the minus strand). VCF-style: chr11-74457313-T-C. GRCh37 (hg19) VCF-style: chr11-74168358-T-C.
Other names: short protein forms K84R.
Identifiers: ClinVar variation 5022962 (VCV005022962.1).
Genomic context (GRCh38, chr11:74,457,313, plus strand): 5'-TAGATCATAGACACACGGTTCTTGATATACACATGATAGGGGTCACTACGCTTGTCCACT[T>C]TGCGGGAGCGGGTGTATCCCAGGATGAGGCTGCCCACAGTTACAGCAAATAGAAACATGA-3'
Protein context (NP_005463.1, residues 74-94): SLILGYTRSR[Lys84Arg]VDKRSDPYHV